The following is an entry in ClinVar:

ClinVar aggregate classification (germline): Pathogenic (1 of 4 stars; one submission).

Conditions:
Rubinstein-Taybi syndrome (RSTS). Identifiers: Orphanet 783, MedGen C0035934, MONDO:0019188.

Submission:

Labcorp Genetics (formerly Invitae), Labcorp
Classification: Pathogenic for Rubinstein-Taybi syndrome. Last evaluated: 2023-07-19. Review status: criteria provided, single submitter. Criteria: Invitae Variant Classification Sherloc (09022015). Collection method: clinical testing. Allele origin: germline.
Comment: This variant is not present in population databases (gnomAD no frequency). This variant has not been reported in the literature in individuals affected with CREBBP-related conditions. For these reasons, this variant has been classified as Pathogenic. This sequence change creates a premature translational stop signal (p.Phe276Leufs*14) in the CREBBP gene. It is expected to result in an absent or disrupted protein product. Loss-of-function variants in CREBBP are known to be pathogenic (PMID: 17052327, 18792986).

Literature cited by the submitters: PubMed 17052327; PubMed 18792986.

NM_004380.3(CREBBP):c.828_840del (p.Phe276fs)

Gene: CREBBP (CREB binding lysine acetyltransferase; minus strand). Cytogenetic location: 16p13.3.
Variant type: Deletion.
Coding change: c.828_840del on transcript NM_004380.3 (MANE Select); coding-DNA positions 828 to 840, 13 bases deleted (TGGACAGCCCTTT).
Protein change: p.Phe276fs; shifts the reading frame from phenylalanine 276.
Molecular consequence: frameshift variant.
Genome position (GRCh38, 1-based): chr16:3,810,738-3,810,750, AAAGGGCTGTCCA deleted on the plus strand (TGGACAGCCCTTT on the coding strand, the reverse complement: CREBBP is on the minus strand); deleting any 13 consecutive bases within chr16:3,810,738-3,810,752 gives the same sequence; the c. name uses the placement nearest the transcript's 3' end. VCF-style (leftmost placement, unchanged base first): chr16-3810737-TAAAGGGCTGTCCA-T. GRCh37 (hg19) VCF-style: chr16-3860738-TAAAGGGCTGTCCA-T.
Other names: c.828_840del, p.Phe276fs (NM_001079846.1); short protein forms F276fs.
Identifiers: ClinVar variation 2745217 (VCV002745217.3), dbSNP rs2548493742, ClinGen allele CA2697549657.
Genomic context (GRCh38, chr16:3,810,737, plus strand): 5'-GTTTGCTGGCTAACTGGGGGTTCACTCCAGTGGCTCCCATTGGCTGCCCTCCAGCTTGAC[TAAAGGGCTGTCCA>T]AATGGACTTGTGTTCCCAGTTATTCCCATCTGAAACAAAAAAGAGGTAACATCAGCTGTG-3'